The following is an entry in ClinVar:

NM_020937.4(FANCM):c.2849A>G (p.Asn950Ser)

Gene: FANCM (FA complementation group M; plus strand). Cytogenetic location: 14q21.2.
Variant type: single nucleotide variant.
Coding change: c.2849A>G on transcript NM_020937.4 (MANE Select); coding-DNA position 2849, A replaced by G.
Protein change: p.Asn950Ser; replaces asparagine 950 with serine.
Molecular consequence: missense variant.
Genome position (GRCh38, 1-based): chr14:45,175,603, A>G. VCF-style: chr14-45175603-A-G. GRCh37 (hg19) VCF-style: chr14-45644806-A-G.
Other names: c.2771A>G, p.Asn924Ser (NM_001308133.2); short protein forms N950S, N924S.
Identifiers: ClinVar variation 1044919 (VCV001044919.13), dbSNP rs775175323, ClinGen allele CA7169418.
Genomic context (GRCh38, chr14:45,175,603, plus strand): 5'-CAAATAAATCCACTAGTTCACTTGCTGGAAATGTTTTAGATTCTGGTTATAACAGTTTCA[A>G]TGATGAAAAATCTGTTTCATCTAACTTATTTCTTCCATTCGAAGAAGAGCTTTATATTGT-3'
Protein context (NP_065988.1, residues 940-960): NVLDSGYNSF[Asn950Ser]DEKSVSSNLF

ClinVar aggregate classification (germline): Uncertain significance. Review status: criteria provided, multiple submitters, no conflicts (2 of 4 stars). 3 submissions from 3 submitters: Uncertain significance (3). Last evaluated 2024-12-05.

Conditions:
Spermatogenic failure 28. Identifiers: MedGen C4748117, MONDO:0054732, OMIM 618086.
Premature ovarian failure 15. Identifiers: MedGen C4748170, MONDO:0054862, OMIM 618096.
Fanconi anemia (FA). Also called: Fanconi's anemia. Identifiers: Orphanet 84, MedGen C0015625, MeSH D005199, MONDO:0019391.

Allele frequency attached by ClinVar (database versions not stated): gnomAD 0.00001; gnomAD exomes 0.00001 and 0.00002; TOPMed 0.00001; ExAC 0.00002.
gnomAD v4.1: 12 of 1,613,578 alleles (0.00074%); highest among the groups gnomAD compares: African/African-American, 0.004%; no homozygotes.

Submissions (3):

Labcorp Genetics (formerly Invitae), Labcorp
Classification: Uncertain significance for Fanconi anemia. Last evaluated: 2024-12-05. Review status: criteria provided, single submitter. Criteria: Invitae Variant Classification Sherloc (09022015). Collection method: clinical testing. Allele origin: germline.
Comment: This sequence change replaces asparagine, which is neutral and polar, with serine, which is neutral and polar, at codon 950 of the FANCM protein (p.Asn950Ser). This variant is present in population databases (rs775175323, gnomAD 0.007%). This variant has not been reported in the literature in individuals affected with FANCM-related conditions. ClinVar contains an entry for this variant (Variation ID: 1044919). An algorithm developed to predict the effect of missense changes on protein structure and function outputs the following: PolyPhen-2: "Benign". The serine amino acid residue is found in multiple mammalian species, which suggests that this missense change does not adversely affect protein function. In summary, the available evidence is currently insufficient to determine the role of this variant in disease. Therefore, it has been classified as a Variant of Uncertain Significance.

GeneDx
Classification: Uncertain significance. Last evaluated: 2024-02-12. Review status: criteria provided, single submitter. Criteria: GeneDx Variant Classification Process June 2021. Collection method: clinical testing. Allele origin: germline. Affected: yes.
Comment: Not observed at significant frequency in large population cohorts (gnomAD); In silico analysis supports that this missense variant does not alter protein structure/function; Has not been previously published as pathogenic or benign to our knowledge

Fulgent Genetics
Classification: Uncertain significance for Spermatogenic failure 28; Premature ovarian failure 15. Last evaluated: 2022-05-30. Review status: criteria provided, single submitter. Criteria: ACMG Guidelines, 2015. Collection method: clinical testing. Allele origin: unknown.